The following is an entry in ClinVar:

ClinVar aggregate classification (germline): Pathogenic. Review status: criteria provided, single submitter (1 of 4 stars). 2 submissions from 2 submitters: Pathogenic (1). 1 of the submissions does not count toward it. Last evaluated 2025-07-14.

Conditions:
Charcot-Marie-Tooth disease. Also called: Charcot-Marie-Tooth Hereditary Neuropathy; Charcot-Marie-Tooth Neuropathy. Identifiers: Orphanet 166, MedGen C0007959, MONDO:0015626.
Charcot-Marie-Tooth Neuropathy X. Identifiers: MedGen CN118851.

Submissions (2):

Labcorp Genetics (formerly Invitae), Labcorp
Classification: Pathogenic for Charcot-Marie-Tooth Neuropathy X. Last evaluated: 2025-07-14. Review status: criteria provided, single submitter. Criteria: Invitae Variant Classification Sherloc (09022015). Collection method: clinical testing. Allele origin: germline.
Comment: This sequence change replaces cysteine, which is neutral and slightly polar, with serine, which is neutral and polar, at codon 64 of the GJB1 protein (p.Cys64Ser). This variant is not present in population databases (gnomAD no frequency). This missense change has been observed in individuals with Charcot-Marie-Tooth disease (PMID: 9187667; internal data). ClinVar contains an entry for this variant (Variation ID: 637586). Invitae Evidence Modeling of protein sequence and biophysical properties (such as structural, functional, and spatial information, amino acid conservation, physicochemical variation, residue mobility, and thermodynamic stability) indicates that this missense variant is expected to disrupt GJB1 protein function with a positive predictive value of 95%. This variant disrupts the p.Cys64 amino acid residue in GJB1. Other variant(s) that disrupt this residue have been determined to be pathogenic (PMID: 24768312, 27098783; internal data). This suggests that this residue is clinically significant, and that variants that disrupt this residue are likely to be disease-causing. For these reasons, this variant has been classified as Pathogenic.

Inherited Neuropathy Consortium
Classification: Uncertain significance for Charcot-Marie-Tooth disease. Review status: no assertion criteria provided. Collection method: literature only. Allele origin: germline. Affected: yes. Not counted in ClinVar's aggregate classification.

Literature cited by the submitters: PubMed 9187667 (cited by Labcorp Genetics (formerly Invitae), Labcorp and Inherited Neuropathy Consortium); PubMed 24768312 (cited by Labcorp Genetics (formerly Invitae), Labcorp); PubMed 27098783 (cited by Labcorp Genetics (formerly Invitae), Labcorp).

NM_000166.6(GJB1):c.191G>C (p.Cys64Ser)

Gene: GJB1 (gap junction protein beta 1; plus strand). Cytogenetic location: Xq13.1.
Variant type: single nucleotide variant.
Coding change: c.191G>C on transcript NM_000166.6 (MANE Select); coding-DNA position 191, G replaced by C.
Protein change: p.Cys64Ser; replaces cysteine 64 with serine.
Molecular consequence: missense variant.
Genome position (GRCh38, 1-based): chrX:71,223,898, G>C. VCF-style: chrX-71223898-G-C. GRCh37 (hg19) VCF-style: chrX-70443748-G-C.
Other names: c.191G>C, p.Cys64Ser (NM_001097642.3); short protein forms C64S.
Identifiers: ClinVar variation 637586 (VCV000637586.9), dbSNP rs1602348897, ClinGen allele CA413501360.